The following is an entry in ClinVar:

ClinVar aggregate classification (germline): Uncertain significance (1 of 4 stars; one submission).

Submission:

GeneDx
Classification: Uncertain significance. Last evaluated: 2025-06-24. Review status: criteria provided, single submitter. Criteria: GeneDx Variant Classification Process June 2021. Collection method: clinical testing. Allele origin: germline. Affected: yes.
Comment: Not observed at significant frequency in large population cohorts (gnomAD); In silico analysis supports that this missense variant has a deleterious effect on protein structure/function; Has not been previously published as pathogenic or benign to our knowledge

NM_005902.4(SMAD3):c.800A>T (p.Glu267Val)

Gene: SMAD3 (SMAD family member 3; plus strand). Cytogenetic location: 15q22.33.
Variant type: single nucleotide variant.
Coding change: c.800A>T on transcript NM_005902.4 (MANE Select); coding-DNA position 800, A replaced by T.
Protein change: p.Glu267Val; replaces glutamic acid 267 with valine.
Molecular consequence: missense variant.
Genome position (GRCh38, 1-based): chr15:67,181,382, A>T. VCF-style: chr15-67181382-A-T. GRCh37 (hg19) VCF-style: chr15-67473720-A-T.
Other names: c.485A>T, p.Glu162Val (NM_001145102.2, NM_001407016.1); c.668A>T, p.Glu223Val (NM_001145103.2, NM_001407012.1); c.215A>T, p.Glu72Val (NM_001145104.2, NM_001407017.1); c.800A>T, p.Glu267Val (NM_001407011.1, NM_001407013.1); c.653A>T, p.Glu218Val (NM_001407014.1); c.353A>T, p.Glu118Val (NM_001407015.1); short protein forms E118V, E162V, E218V, E223V, E267V, E72V.
Identifiers: ClinVar variation 4539843 (VCV004539843.1).